The following is an entry in ClinVar:

ClinVar aggregate classification (germline): Pathogenic/Likely pathogenic. Review status: criteria provided, multiple submitters, no conflicts (2 of 4 stars). 2 submissions from 2 submitters: Pathogenic (1); Likely pathogenic (1). Last evaluated 2026-01-26.

Conditions:
Inborn genetic diseases. Identifiers: MedGen C0950123, MeSH D030342.

Allele frequency attached by ClinVar (database versions not stated): TOPMed 0.00005; gnomAD 0.00001.
gnomAD v4.1: 37 of 1,614,012 alleles (0.0023%); highest among the groups gnomAD compares: Non-Finnish European, 0.0028%; no homozygotes.

Submissions (2):

Labcorp Genetics (formerly Invitae), Labcorp
Classification: Pathogenic. Last evaluated: 2026-01-26. Review status: criteria provided, single submitter. Criteria: Invitae Variant Classification Sherloc (09022015). Collection method: clinical testing. Allele origin: germline.
Comment: This sequence change creates a premature translational stop signal (p.Arg546*) in the MBD4 gene. While this is not anticipated to result in nonsense mediated decay, it is expected to disrupt the last 35 amino acid(s) of the MBD4 protein. This variant is present in population databases (rs772744105, gnomAD 0.006%). This variant has not been reported in the literature in individuals affected with MBD4-related conditions. ClinVar contains an entry for this variant (Variation ID: 2884000). Algorithms developed to predict the effect of sequence changes on RNA splicing suggest that this variant may disrupt the consensus splice site. This variant disrupts a region of the MBD4 protein in which other variant(s) (p.Leu563*) have been determined to be pathogenic (PMID: 30049810, 30714079, 32239153, 35460607; internal data). This suggests that this is a clinically significant region of the protein, and that variants that disrupt it are likely to be disease-causing. For these reasons, this variant has been classified as Pathogenic.

Ambry Genetics
Classification: Likely pathogenic for Inborn genetic diseases. Last evaluated: 2025-08-18. Review status: criteria provided, single submitter. Criteria: Ambry Variant Classification Scheme 2023. Collection method: clinical testing. Allele origin: germline.
Comment: The p.R540* variant (also known as c.1618C>T), located in coding exon 7 of the MBD4 gene, results from a C to T substitution at nucleotide position 1618. This changes the amino acid from an arginine to a stop codon within coding exon 7. This alteration occurs at the 3' terminus of MBD4 gene, is not expected to trigger nonsense-mediated mRNAdecay, and impacts the last 6% of the protein. However, premature stop codons are typically deleterious in nature and the impacted region is critical for protein function (Ambry internal data). Based on the majority of available evidence to date, this variant is likely to be pathogenic.

Literature cited by the submitters: PubMed 30049810 (cited by Labcorp Genetics (formerly Invitae), Labcorp); PubMed 30714079 (cited by Labcorp Genetics (formerly Invitae), Labcorp); PubMed 32239153 (cited by Labcorp Genetics (formerly Invitae), Labcorp); PubMed 35460607 (cited by Labcorp Genetics (formerly Invitae), Labcorp).

NM_001276270.2(MBD4):c.1618C>T (p.Arg540Ter)

Gene: MBD4 (methyl-CpG binding domain 4, DNA glycosylase; minus strand). Cytogenetic location: 3q21.3.
Variant type: single nucleotide variant.
Coding change: c.1618C>T on transcript NM_001276270.2 (MANE Select); coding-DNA position 1618, C replaced by T.
Protein change: p.Arg540Ter; replaces arginine 540 with a stop codon.
Molecular consequence: nonsense. On other transcripts: intron variant (1).
Genome position (GRCh38, 1-based): chr3:129,432,532, G>A on the plus strand (C>T on the coding strand, the complement: MBD4 is on the minus strand). VCF-style: chr3-129432532-G-A. GRCh37 (hg19) VCF-style: chr3-129151375-G-A.
Other names: c.1636C>T, p.Arg546Ter (NM_001276271.2, NM_003925.3); c.682C>T, p.Arg228Ter (NM_001276273.2); c.1612+24C>T (NM_001276272.2); short protein forms R546*, R540*, R228*.
Identifiers: ClinVar variation 2884000 (VCV002884000.5), dbSNP rs772744105, ClinGen allele CA2605247.